The following is an entry in ClinVar:

GRCh38/hg38 3p26.3-26.1(chr3:1984526-6852981)x1

Genes: ARL8B (ARF like GTPase 8B; plus strand), BHLHE40 (basic helix-loop-helix family member e40; plus strand), BHLHE40-AS1 (BHLHE40 antisense RNA 1; minus strand), BRRIAR (BHLHE40 and RIG-I regulating ITPR1 antisense RNA; minus strand), CNTN4 (contactin 4; plus strand) and 118 more. Cytogenetic location: 3p26.3-26.1.
Variant type: copy number loss.
Change: copy number 1 (one copy instead of two) of chr3:1,984,526-6,852,981 (4.87 Mb, GRCh38 coordinates, 1-based), cytogenetic band 3p26.3-26.1.
Identifiers: ClinVar variation 57172 (VCV000057172.1).

ClinVar aggregate classification (germline): Pathogenic (1 of 4 stars; one submission).

Submission:

ISCA site 4
Classification: Pathogenic. Last evaluated: 2011-08-12. Review status: criteria provided, single submitter. Criteria: Kaminsky et al. (Genet Med. 2011). Collection method: clinical testing. Allele origin: unknown. Affected: yes. Observed: 1 variant allele.
Comment: Copy number variation identified through the course of routine clinical cytogenomic testing in postnatal populations. Clinical assertions have been curated as described in Kaminsky et al. 2011.